The following is an entry in ClinVar:

NM_001267550.2(TTN):c.95047A>G (p.Ser31683Gly)

Genes: TTN (titin; minus strand), TTN-AS1 (TTN antisense RNA 1; plus strand). Cytogenetic location: 2q31.2.
Variant type: single nucleotide variant.
Coding change: c.95047A>G on transcript NM_001267550.2 (MANE Select); coding-DNA position 95047, A replaced by G.
Protein change: p.Ser31683Gly; replaces serine 31683 with glycine.
Molecular consequence: missense variant.
Genome position (GRCh38, 1-based): chr2:178,546,284, T>C on the plus strand (A>G on the coding strand, the complement: TTN is on the minus strand). VCF-style: chr2-178546284-T-C. GRCh37 (hg19) VCF-style: chr2-179411011-T-C.
Other names: p.S29115G:AGT>GGT; c.90124A>G, p.Ser30042Gly (NM_001256850.1); c.87343A>G, p.Ser29115Gly (NM_133378.4); c.67852A>G, p.Ser22618Gly (NM_003319.4); c.68227A>G, p.Ser22743Gly (NM_133432.3); c.68428A>G, p.Ser22810Gly (NM_133437.4); short protein forms S31683G, S29115G, S30042G, S22810G, S22618G, S22743G.
Identifiers: ClinVar variation 47547 (VCV000047547.39), dbSNP rs72648257, ClinGen allele CA284100.

ClinVar aggregate classification (germline): Benign/Likely benign. Review status: criteria provided, multiple submitters, no conflicts (2 of 4 stars). 26 submissions from 19 submitters: Benign (18); Likely benign (3). 5 of the submissions do not count toward it. Last evaluated 2026-03-27.

Conditions:
Cardiovascular phenotype. Identifiers: MedGen CN230736.
Dilated cardiomyopathy 1G (CMD1G). Identifiers: Orphanet 154, MedGen C1858763, MONDO:0011400, OMIM 604145.
Autosomal recessive limb-girdle muscular dystrophy type 2J (LGMDR10). Also called: Limb-girdle muscular dystrophy, type 2J; MUSCULAR DYSTROPHY, LIMB-GIRDLE, AUTOSOMAL RECESSIVE 10. Identifiers: Orphanet 140922, MedGen C1837342, MONDO:0012127, OMIM 608807.
Early-onset myopathy with fatal cardiomyopathy (CMYO5). Also called: CONGENITAL MYOPATHY 5 WITH CARDIOMYOPATHY; Salih Myopathy. Identifiers: Orphanet 289377, MedGen C2673677, MONDO:0012714, OMIM 611705. Disease mechanism: loss of function.
Myopathy, myofibrillar, 9, with early respiratory failure (MFM9). Also called: MYOPATHY, PROXIMAL, WITH EARLY RESPIRATORY MUSCLE INVOLVEMENT; Myopathy, distal, with early respiratory failure, autosomal dominant; Hereditary myopathy with early respiratory failure; EDSTROM MYOPATHY. Identifiers: Orphanet 178464, Orphanet 34521, MedGen C1863599, MONDO:0011362, OMIM 603689.
Tibial muscular dystrophy (TMD). Also called: Tibial muscular dystrophy, tardive; UDD MYOPATHY; Udd Distal Myopathy – Tibial Muscular Dystrophy. Identifiers: Orphanet 609, MedGen C1838244, MONDO:0010870, OMIM 600334.

Allele frequency attached by ClinVar (database versions not stated): ESP Exome Variant Server 0.01558; TOPMed 0.01855; gnomAD 0.01992 and 0.02013; 1000 Genomes Project 30x 0.02077; 1000 Genomes Project 0.02236; gnomAD exomes 0.02324 and 0.02604; ExAC 0.02619.
gnomAD v4.1: 36,957 of 1,613,852 alleles (2.3%); highest among the groups gnomAD compares: East Asian, 6.3%; 526 homozygotes.

Submissions (26):

Molecular Diagnostic Laboratory for Inherited Cardiovascular Disease, Montreal Heart Institute
Classification: Benign. Last evaluated: 2026-03-27. Review status: criteria provided, single submitter. Criteria: ACMG Guidelines, 2015. Collection method: clinical testing. Allele origin: germline. Affected: no.

Labcorp Genetics (formerly Invitae), Labcorp
Classification: Benign for Dilated cardiomyopathy 1G; Autosomal recessive limb-girdle muscular dystrophy type 2J. Last evaluated: 2026-02-04. Review status: criteria provided, single submitter. Criteria: Invitae Variant Classification Sherloc (09022015). Collection method: clinical testing. Allele origin: germline.

Genome-Nilou Lab
Classification: Benign for Autosomal recessive limb-girdle muscular dystrophy type 2J. Last evaluated: 2021-09-10. Review status: criteria provided, single submitter. Criteria: ACMG Guidelines, 2015. Collection method: clinical testing. Allele origin: germline. Affected: no.

Genome-Nilou Lab
Classification: Benign for Myopathy, myofibrillar, 9, with early respiratory failure. Last evaluated: 2021-09-10. Review status: criteria provided, single submitter. Criteria: ACMG Guidelines, 2015. Collection method: clinical testing. Allele origin: germline. Affected: no.

Genome-Nilou Lab
Classification: Benign for Early-onset myopathy with fatal cardiomyopathy. Last evaluated: 2021-09-10. Review status: criteria provided, single submitter. Criteria: ACMG Guidelines, 2015. Collection method: clinical testing. Allele origin: germline. Affected: no.

Genome-Nilou Lab
Classification: Benign for Tibial muscular dystrophy. Last evaluated: 2021-09-10. Review status: criteria provided, single submitter. Criteria: ACMG Guidelines, 2015. Collection method: clinical testing. Allele origin: germline. Affected: no.

Women's Health and Genetics/Laboratory Corporation of America, LabCorp
Classification: Likely benign. Last evaluated: 2020-01-11. Review status: criteria provided, single submitter. Criteria: LabCorp Variant Classification Summary - May 2015. Collection method: clinical testing. Allele origin: germline.

Athena Diagnostics
Classification: Benign. Last evaluated: 2019-01-28. Review status: criteria provided, single submitter. Criteria: Athena Diagnostics Criteria. Collection method: clinical testing. Allele origin: germline.

Illumina Laboratory Services, Illumina
Classification: Benign for Myopathy, myofibrillar, 9, with early respiratory failure. Last evaluated: 2018-01-13. Review status: criteria provided, single submitter. Criteria: ICSL Variant Classification Criteria 13 December 2019. Collection method: clinical testing. Allele origin: germline.
Comment: This variant was observed in the ICSL laboratory as part of a predisposition screen in an ostensibly healthy population. It had not been previously curated by ICSL or reported in the Human Gene Mutation Database (HGMD: prior to June 1st, 2018), and was therefore a candidate for classification through an automated scoring system. Utilizing variant allele frequency, disease prevalence and penetrance estimates, and inheritance mode, an automated score was calculated to assess if this variant is too frequent to cause the disease. Based on the score and internal cut-off values, a variant classified as benign is not then subjected to further curation. The score for this variant resulted in a classification of benign for this disease.

Illumina Laboratory Services, Illumina
Classification: Benign for Tibial muscular dystrophy. Last evaluated: 2018-01-13. Review status: criteria provided, single submitter. Criteria: ICSL Variant Classification Criteria 13 December 2019. Collection method: clinical testing. Allele origin: germline.
Comment: the same text as in the submission from Illumina Laboratory Services, Illumina above.

Illumina Laboratory Services, Illumina
Classification: Likely benign for Dilated cardiomyopathy 1G. Last evaluated: 2018-01-13. Review status: criteria provided, single submitter. Criteria: ICSL Variant Classification Criteria 13 December 2019. Collection method: clinical testing. Allele origin: germline.
Comment: This variant was observed in the ICSL laboratory as part of a predisposition screen in an ostensibly healthy population. It had not been previously curated by ICSL or reported in the Human Gene Mutation Database (HGMD: prior to June 1st, 2018), and was therefore a candidate for classification through an automated scoring system. Utilizing variant allele frequency, disease prevalence and penetrance estimates, and inheritance mode, an automated score was calculated to assess if this variant is too frequent to cause the disease. Based on the score and internal cut-off values, a variant classified as likely benign is not then subjected to further curation. The score for this variant resulted in a classification of likely benign for this disease.

Illumina Laboratory Services, Illumina
Classification: Benign for Early-onset myopathy with fatal cardiomyopathy. Last evaluated: 2018-01-13. Review status: criteria provided, single submitter. Criteria: ICSL Variant Classification Criteria 13 December 2019. Collection method: clinical testing. Allele origin: germline.
Comment: the same text as in the submission from Illumina Laboratory Services, Illumina above.

Illumina Laboratory Services, Illumina
Classification: Benign for Autosomal recessive limb-girdle muscular dystrophy type 2J. Last evaluated: 2018-01-13. Review status: criteria provided, single submitter. Criteria: ICSL Variant Classification Criteria 13 December 2019. Collection method: clinical testing. Allele origin: germline.
Comment: the same text as in the submission from Illumina Laboratory Services, Illumina above.

Mayo Clinic Laboratories, Mayo Clinic
Classification: Benign. Last evaluated: 2017-10-05. Review status: criteria provided, single submitter. Criteria: ACMG Guidelines, 2015. Collection method: clinical testing. Allele origin: germline. Observed: 96 variant alleles.

Genetic Services Laboratory, University of Chicago
Classification: Benign for AllHighlyPenetrant. Last evaluated: 2013-08-15. Review status: criteria provided, single submitter. Criteria: ACMG Guidelines, 2007. Collection method: clinical testing. Allele origin: germline.

Biesecker Lab/Clinical Genomics Section, National Institutes of Health
Classification: Benign. Last evaluated: 2013-06-24. Review status: criteria provided, single submitter. Criteria: Ng et al. (Circ Cardiovasc Genet. 2013). Collection method: research. Allele origin: unknown. Observed: 33 variant alleles. Study: ClinSeq.
Comment: The study set was not selected for affection status in relation to any cancer. Pathogenicity categories were based on literature curation. See Pubmed ID:23861362 for details.

Medical sequencing

GeneDx
Classification: Benign. Last evaluated: 2013-04-29. Review status: criteria provided, single submitter. Criteria: GeneDx Variant Classification (06012015). Collection method: clinical testing. Allele origin: germline. Affected: yes.
Comment: This variant is considered likely benign or benign based on one or more of the following criteria: it is a conservative change, it occurs at a poorly conserved position in the protein, it is predicted to be benign by multiple in silico algorithms, and/or has population frequency not consistent with disease.

Ambry Genetics
Classification: Benign for Cardiovascular phenotype. Last evaluated: 2013-03-06. Review status: criteria provided, single submitter. Criteria: Ambry Autosomal Dominant and X-Linked criteria (10/2015). Collection method: clinical testing. Allele origin: germline. Observed: 1 variant allele.

Laboratory for Molecular Medicine, Mass General Brigham Personalized Medicine
Classification: Benign. Last evaluated: 2012-04-24. Review status: criteria provided, single submitter. Criteria: LMM Criteria. Collection method: clinical testing. Allele origin: germline. Observed: 63 variant alleles.

Breakthrough Genomics
Classification: Likely benign. Review status: criteria provided, single submitter. Criteria: ACMG Guidelines, 2015. Collection method: not provided. Allele origin: germline. Inheritance: Autosomal recessive inheritance. Affected: yes.

PreventionGenetics, part of Exact Sciences
Classification: Benign. Review status: criteria provided, single submitter. Criteria: ACMG Guidelines, 2015. Collection method: clinical testing. Allele origin: germline.

Clinical Genetics DNA and cytogenetics Diagnostics Lab, Erasmus MC, Erasmus Medical Center
Classification: Benign. Review status: no assertion criteria provided. Collection method: clinical testing. Allele origin: germline. Affected: yes. Study: VKGL Data-share Consensus. Not counted in ClinVar's aggregate classification.

Clinical Genetics, Academic Medical Center
Classification: Benign. Review status: no assertion criteria provided. Collection method: clinical testing. Allele origin: germline. Affected: yes. Study: VKGL Data-share Consensus. Not counted in ClinVar's aggregate classification.

Genome Diagnostics Laboratory, University Medical Center Utrecht
Classification: Benign. Review status: no assertion criteria provided. Collection method: clinical testing. Allele origin: germline. Affected: yes. Study: VKGL Data-share Consensus. Not counted in ClinVar's aggregate classification.

Joint Genome Diagnostic Labs from Nijmegen and Maastricht, Radboudumc and MUMC+
Classification: Benign. Review status: no assertion criteria provided. Collection method: clinical testing. Allele origin: germline. Affected: yes. Study: VKGL Data-share Consensus. Not counted in ClinVar's aggregate classification.

Laboratory of Diagnostic Genome Analysis, Leiden University Medical Center (LUMC)
Classification: Likely benign. Review status: no assertion criteria provided. Collection method: clinical testing. Allele origin: germline. Affected: yes. Study: VKGL Data-share Consensus. Not counted in ClinVar's aggregate classification.

Literature cited by the submitters: PubMed 23861362 (cited by Athena Diagnostics).